The following is an entry in ClinVar:

ClinVar aggregate classification (germline): Benign. Review status: criteria provided, multiple submitters, no conflicts (2 of 4 stars). 3 submissions from 3 submitters: Benign (3). Last evaluated 2021-07-14.

Conditions:
Bardet-Biedl syndrome 9 (BBS9). Identifiers: Orphanet 110, MedGen C1859567, MONDO:0014437, OMIM 615986.

Allele frequency attached by ClinVar (database versions not stated): gnomAD exomes 0.29826; gnomAD 0.40841 and 0.41125; TOPMed 0.44034; 1000 Genomes Project 0.55172; 1000 Genomes Project 30x 0.55590.
gnomAD v4.1: 386,663 of 1,235,182 alleles (31%); highest among the groups gnomAD compares: African/African-American, 69%; 71,769 homozygotes.

Submissions (3):

Genome-Nilou Lab
Classification: Benign for Bardet-Biedl syndrome 9. Last evaluated: 2021-07-14. Review status: criteria provided, single submitter. Criteria: ACMG Guidelines, 2015. Collection method: clinical testing. Allele origin: germline. Affected: no.

GeneDx
Classification: Benign. Last evaluated: 2018-11-10. Review status: criteria provided, single submitter. Criteria: GeneDx Variant Classification Process June 2021. Collection method: clinical testing. Allele origin: germline. Affected: yes.

Illumina Laboratory Services, Illumina
Classification: Benign for Bardet-Biedl syndrome 9. Last evaluated: 2018-01-12. Review status: criteria provided, single submitter. Criteria: ICSL Variant Classification Criteria 13 December 2019. Collection method: clinical testing. Allele origin: germline.
Comment: This variant was observed in the ICSL laboratory as part of a predisposition screen in an ostensibly healthy population. It had not been previously curated by ICSL or reported in the Human Gene Mutation Database (HGMD: prior to June 1st, 2018), and was therefore a candidate for classification through an automated scoring system. Utilizing variant allele frequency, disease prevalence and penetrance estimates, and inheritance mode, an automated score was calculated to assess if this variant is too frequent to cause the disease. Based on the score and internal cut-off values, a variant classified as benign is not then subjected to further curation. The score for this variant resulted in a classification of benign for this disease.

NM_198428.3(BBS9):c.*103T>C

Gene: BBS9 (Bardet-Biedl syndrome 9; plus strand). Cytogenetic location: 7p14.3.
Variant type: single nucleotide variant.
Coding change: c.*103T>C on transcript NM_198428.3 (MANE Select); 103 bases downstream of the stop codon, T replaced by C.
Molecular consequence: 3 prime UTR variant. On other transcripts: non-coding transcript variant (3), intron variant (2).
Genome position (GRCh38, 1-based): chr7:33,605,329, T>C. VCF-style: chr7-33605329-T-C. GRCh37 (hg19) VCF-style: chr7-33644941-T-C.
Other names: c.*103T>C (NM_001033604.2, NM_001033605.2, NM_001348036.1 and 10 more transcripts); c.2522-29848T>C (NM_001362679.1); c.2632+354T>C (NM_001348041.4).
Identifiers: ClinVar variation 360074 (VCV000360074.11), dbSNP rs1050719, ClinGen allele CA10628975.
Genomic context (GRCh38, chr7:33,605,329, plus strand): 5'-AGGCCGAACCTGTGTGAACCTCATGCCAAGCACAGATATAGGGCTGGCGCAGGTGCTTCC[T>C]AAAGCTCACCTTCCTGGAGATGACATGCATAGAAAGAGGGGTTGGGACTTTTTACTTCAC-3'